The following is an entry in ClinVar:

NM_001194998.2(CEP152):c.3317T>C (p.Val1106Ala)

Gene: CEP152 (centrosomal protein 152; minus strand). Cytogenetic location: 15q21.1.
Variant type: single nucleotide variant.
Coding change: c.3317T>C on transcript NM_001194998.2 (MANE Select); coding-DNA position 3317, T replaced by C.
Protein change: p.Val1106Ala; replaces valine 1106 with alanine.
Molecular consequence: missense variant.
Genome position (GRCh38, 1-based): chr15:48,755,931, A>G on the plus strand (T>C on the coding strand, the complement: CEP152 is on the minus strand). VCF-style: chr15-48755931-A-G. GRCh37 (hg19) VCF-style: chr15-49048128-A-G.
Other names: c.3317T>C, p.Val1106Ala (NM_014985.4); short protein forms V1106A.
Identifiers: ClinVar variation 158254 (VCV000158254.21), dbSNP rs16961557, ClinGen allele CA171728.

ClinVar aggregate classification (germline): Benign. Review status: criteria provided, multiple submitters, no conflicts (2 of 4 stars). 6 submissions from 5 submitters: Benign (6). Last evaluated 2026-01-31.

Conditions:
Seckel syndrome 5 (SCKL5). Identifiers: Orphanet 808, MedGen C3151187, MONDO:0013443, OMIM 613823.
Microcephaly 9, primary, autosomal recessive. Identifiers: Orphanet 2512, MedGen C3553886, MONDO:0013923, OMIM 614852.

Allele frequency attached by ClinVar (database versions not stated): gnomAD exomes 0.00278 and 0.00704; ExAC 0.00848; gnomAD 0.02957 and 0.03157; 1000 Genomes Project 0.02995; 1000 Genomes Project 30x 0.03123; TOPMed 0.03228; ESP Exome Variant Server 0.03256.

Submissions (6):

Labcorp Genetics (formerly Invitae), Labcorp
Classification: Benign. Last evaluated: 2026-01-31. Review status: criteria provided, single submitter. Criteria: Invitae Variant Classification Sherloc (09022015). Collection method: clinical testing. Allele origin: germline.

Illumina Laboratory Services, Illumina
Classification: Benign for Microcephaly 9, primary, autosomal recessive. Last evaluated: 2018-01-12. Review status: criteria provided, single submitter. Criteria: ICSL Variant Classification Criteria 13 December 2019. Collection method: clinical testing. Allele origin: germline.
Comment: This variant was observed in the ICSL laboratory as part of a predisposition screen in an ostensibly healthy population. It had not been previously curated by ICSL or reported in the Human Gene Mutation Database (HGMD: prior to June 1st, 2018), and was therefore a candidate for classification through an automated scoring system. Utilizing variant allele frequency, disease prevalence and penetrance estimates, and inheritance mode, an automated score was calculated to assess if this variant is too frequent to cause the disease. Based on the score and internal cut-off values, a variant classified as benign is not then subjected to further curation. The score for this variant resulted in a classification of benign for this disease.

Illumina Laboratory Services, Illumina
Classification: Benign for Seckel syndrome 5. Last evaluated: 2018-01-12. Review status: criteria provided, single submitter. Criteria: ICSL Variant Classification Criteria 13 December 2019. Collection method: clinical testing. Allele origin: germline.
Comment: the same text as in the submission from Illumina Laboratory Services, Illumina above.

GeneDx
Classification: Benign. Last evaluated: 2015-03-03. Review status: criteria provided, single submitter. Criteria: GeneDx Variant Classification Process June 2021. Collection method: clinical testing. Allele origin: germline. Affected: yes.

Genetic Services Laboratory, University of Chicago
Classification: Benign. Last evaluated: 2013-02-08. Review status: criteria provided, single submitter. Criteria: ACMG Guidelines, 2007. Collection method: clinical testing. Allele origin: germline. Inheritance: Autosomal recessive inheritance.

Breakthrough Genomics
Classification: Benign. Review status: criteria provided, single submitter. Criteria: ACMG Guidelines, 2015. Collection method: not provided. Allele origin: germline. Inheritance: Autosomal recessive inheritance. Affected: yes.